The following is an entry in ClinVar:

NM_024747.6(HPS6):c.1865_1866del (p.Leu622fs)

Gene: HPS6 (HPS6 biogenesis of lysosomal organelles complex 2 subunit 3; plus strand). Cytogenetic location: 10q24.32.
Variant type: Deletion.
Coding change: c.1865_1866del on transcript NM_024747.6 (MANE Select); coding-DNA positions 1865 to 1866, 2 bases deleted (TG; older notation c.1865_1866delTG).
Protein change: p.Leu622fs; shifts the reading frame from leucine 622.
Molecular consequence: frameshift variant.
Genome position (GRCh38, 1-based): chr10:102,067,339-102,067,340, TG deleted. VCF-style (leftmost placement, unchanged base first): chr10-102067338-CTG-C. GRCh37 (hg19) VCF-style: chr10-103827095-CTG-C.
Other names: c.1865_1866delTG (NM_024747.5); short protein forms L622fs.
Identifiers: ClinVar variation 30672 (VCV000030672.5), dbSNP rs281865114, ClinGen allele CA212201961.

ClinVar aggregate classification (germline): Pathogenic. Review status: criteria provided, single submitter (1 of 4 stars). 2 submissions from 2 submitters: Pathogenic (1). 1 of the submissions does not count toward it. Last evaluated 2023-05-01.

Conditions:
Hermansky-Pudlak syndrome 6 (HPS6). Identifiers: Orphanet 231512, Orphanet 79430, MedGen C3888007, MONDO:0013558, OMIM 614075.

Allele frequency attached by ClinVar (database versions not stated): gnomAD exomes below 0.00001.

Submissions (2):

Labcorp Genetics (formerly Invitae), Labcorp
Classification: Pathogenic. Last evaluated: 2023-05-01. Review status: criteria provided, single submitter. Criteria: Invitae Variant Classification Sherloc (09022015). Collection method: clinical testing. Allele origin: germline.
Comment: For these reasons, this variant has been classified as Pathogenic. This variant disrupts a region of the HPS6 protein in which other variant(s) (p.Gln680*) have been determined to be pathogenic (PMID: 27225848, 29054114, 31141302). This suggests that this is a clinically significant region of the protein, and that variants that disrupt it are likely to be disease-causing. ClinVar contains an entry for this variant (Variation ID: 30672). This premature translational stop signal has been observed in individual(s) with Hermansky-Pudlak syndrome (PMID: 19843503). This variant is not present in population databases (gnomAD no frequency). This sequence change creates a premature translational stop signal (p.Leu622Argfs*12) in the HPS6 gene. While this is not anticipated to result in nonsense mediated decay, it is expected to disrupt the last 154 amino acid(s) of the HPS6 protein.

OMIM
Classification: Pathogenic for HERMANSKY-PUDLAK SYNDROME 6. Last evaluated: 2009-12-01. Review status: no assertion criteria provided. Collection method: literature only. Allele origin: germline. Not counted in ClinVar's aggregate classification.

Literature cited by the submitters: PubMed 27225848 (cited by Labcorp Genetics (formerly Invitae), Labcorp); PubMed 29054114 (cited by Labcorp Genetics (formerly Invitae), Labcorp); PubMed 31141302 (cited by Labcorp Genetics (formerly Invitae), Labcorp); PubMed 19843503 (cited by Labcorp Genetics (formerly Invitae), Labcorp and OMIM).